The following is an entry in ClinVar:

NM_014236.4(GNPAT):c.344G>A (p.Arg115His)

Gene: GNPAT (glyceronephosphate O-acyltransferase; plus strand). Cytogenetic location: 1q42.2.
Variant type: single nucleotide variant.
Coding change: c.344G>A on transcript NM_014236.4 (MANE Select); coding-DNA position 344, G replaced by A.
Protein change: p.Arg115His; replaces arginine 115 with histidine.
Molecular consequence: missense variant.
Genome position (GRCh38, 1-based): chr1:231,260,589, G>A. VCF-style: chr1-231260589-G-A. GRCh37 (hg19) VCF-style: chr1-231396335-G-A.
Other names: c.161G>A, p.Arg54His (NM_001316350.2); c.344G>A (NM_014236.3); short protein forms R54H, R115H.
Identifiers: ClinVar variation 1427593 (VCV001427593.6), dbSNP rs760040100, ClinGen allele CA1451774.

ClinVar aggregate classification (germline): Uncertain significance. Review status: criteria provided, multiple submitters, no conflicts (2 of 4 stars). 2 submissions from 2 submitters: Uncertain significance (2). Last evaluated 2021-10-26.

Conditions:
Inborn genetic diseases. Identifiers: MedGen C0950123, MeSH D030342.

Allele frequency attached by ClinVar (database versions not stated): gnomAD exomes 0.00001 and 0.00004; ExAC 0.00002; gnomAD 0.00005 and 0.00007; TOPMed 0.00009.
gnomAD v4.1: 27 of 1,611,704 alleles (0.0017%); highest among the groups gnomAD compares: African/African-American, 0.019%; no homozygotes.

Submissions (2):

Ambry Genetics
Classification: Uncertain significance for Inborn genetic diseases. Last evaluated: 2021-10-26. Review status: criteria provided, single submitter. Criteria: Ambry Variant Classification Scheme 2023. Collection method: clinical testing. Allele origin: germline.

Labcorp Genetics (formerly Invitae), Labcorp
Classification: Uncertain significance. Last evaluated: 2021-08-28. Review status: criteria provided, single submitter. Criteria: Invitae Variant Classification Sherloc (09022015). Collection method: clinical testing. Allele origin: germline.
Comment: This sequence change replaces arginine with histidine at codon 115 of the GNPAT protein (p.Arg115His). The arginine residue is moderately conserved and there is a small physicochemical difference between arginine and histidine. This variant is present in population databases (rs760040100, ExAC 0.01%). This variant has not been reported in the literature in individuals affected with GNPAT-related conditions. Algorithms developed to predict the effect of missense changes on protein structure and function output the following: SIFT: "Tolerated"; PolyPhen-2: "Benign"; Align-GVGD: "Class C0". The histidine amino acid residue is found in multiple mammalian species, which suggests that this missense change does not adversely affect protein function. In summary, the available evidence is currently insufficient to determine the role of this variant in disease. Therefore, it has been classified as a Variant of Uncertain Significance.